The following is an entry in ClinVar:

NM_001394998.1(TANC2):c.706T>C (p.Cys236Arg)

Gene: TANC2 (tetratricopeptide repeat, ankyrin repeat and coiled-coil containing 2; plus strand). Cytogenetic location: 17q23.3.
Variant type: single nucleotide variant.
Coding change: c.706T>C on transcript NM_001394998.1 (MANE Select); coding-DNA position 706, T replaced by C.
Protein change: p.Cys236Arg; replaces cysteine 236 with arginine.
Molecular consequence: missense variant.
Genome position (GRCh38, 1-based): chr17:63,200,894, T>C. VCF-style: chr17-63200894-T-C. GRCh37 (hg19) VCF-style: chr17-61278255-T-C.
Other names: c.484T>C, p.Cys162Arg (NM_001411076.1, NM_025185.4); short protein forms C162R, C236R.
Identifiers: ClinVar variation 3361629 (VCV003361629.1).
Genomic context (GRCh38, chr17:63,200,894, plus strand): 5'-CCAGCCAGTAGCCCCTGCTCTACACTCCCACCCATCAGTACAAATGCAACTGCCAAGGAC[T>C]GCAGCTATGGGGCTGTTACTAGTCCAACCTCTACCCTTGAAAGCAGAGATAGTGGCATCA-3'
Protein context (NP_001381927.1, residues 226-246): PISTNATAKD[Cys236Arg]SYGAVTSPTS

ClinVar aggregate classification (germline): Uncertain significance (1 of 4 stars; one submission).

Submission:

GeneDx
Classification: Uncertain significance. Last evaluated: 2023-08-05. Review status: criteria provided, single submitter. Criteria: GeneDx Variant Classification Process June 2021. Collection method: clinical testing. Allele origin: germline. Affected: yes.
Comment: Not observed at significant frequency in large population cohorts (gnomAD); In silico analysis supports that this missense variant has a deleterious effect on protein structure/function; Has not been previously published as pathogenic or benign to our knowledge